The following is an entry in ClinVar:

ClinVar aggregate classification (germline): Likely benign. Review status: criteria provided, multiple submitters, no conflicts (2 of 4 stars). 4 submissions from 4 submitters: Likely benign (4). Last evaluated 2026-01-01.

Conditions:
Koolen-de Vries syndrome (KDVS). Identifiers: Orphanet 96169, MedGen C1864871, MONDO:0012496, OMIM 610443.
Inborn genetic diseases. Identifiers: MedGen C0950123, MeSH D030342.

Allele frequency attached by ClinVar (database versions not stated): gnomAD 0.00002 and 0.00003; TOPMed 0.00002; 1000 Genomes Project 30x 0.00016; 1000 Genomes Project 0.00020.
gnomAD v4.1: 29 of 1,609,314 alleles (0.0018%); highest among the groups gnomAD compares: Middle Eastern, 0.017%; no homozygotes.

Submissions (4):

CeGaT Center for Human Genetics Tuebingen
Classification: Likely benign. Last evaluated: 2026-01-01. Review status: criteria provided, single submitter. Criteria: CeGaT Center For Human Genetics Tuebingen Variant Classification Criteria Version 2. Collection method: clinical testing. Allele origin: germline. Affected: yes. Observed: 1 variant allele.
Comment: KANSL1: BP1

Labcorp Genetics (formerly Invitae), Labcorp
Classification: Likely benign for Koolen-de Vries syndrome. Last evaluated: 2024-10-17. Review status: criteria provided, single submitter. Criteria: Invitae Variant Classification Sherloc (09022015). Collection method: clinical testing. Allele origin: germline.

Ambry Genetics
Classification: Likely benign for Inborn genetic diseases. Last evaluated: 2024-08-26. Review status: criteria provided, single submitter. Criteria: Ambry Variant Classification Scheme 2023. Collection method: clinical testing. Allele origin: germline.

GeneDx
Classification: Likely benign. Last evaluated: 2016-08-24. Review status: criteria provided, single submitter. Criteria: GeneDx Variant Classification (06012015). Collection method: clinical testing. Allele origin: germline. Affected: yes.
Comment: This variant is considered likely benign or benign based on one or more of the following criteria: it is a conservative change, it occurs at a poorly conserved position in the protein, it is predicted to be benign by multiple in silico algorithms, and/or has population frequency not consistent with disease.

NM_015443.4(KANSL1):c.3305C>T (p.Pro1102Leu)

Gene: KANSL1 (KAT8 regulatory NSL complex subunit 1). Cytogenetic location: 17q21.31.
Variant type: single nucleotide variant.
Coding change: c.3305C>T on transcript NM_015443.4 (MANE Select); coding-DNA position 3305, C replaced by T.
Protein change: p.Pro1102Leu; replaces proline 1102 with leucine.
Molecular consequence: missense variant.
Genome position (GRCh38, 1-based): chr17:46,031,489, G>A on the plus strand (C>T on the coding strand, the complement: KANSL1 is on the minus strand). VCF-style: chr17-46031489-G-A. GRCh37 (hg19) VCF-style: chr17-44108855-G-A.
Other names: c.3302C>T, p.Pro1101Leu (NM_001193465.2); c.3305C>T, p.Pro1102Leu (NM_001193466.2, NM_001379198.1); short protein forms P1102L, P1101L.
Identifiers: ClinVar variation 388823 (VCV000388823.11), dbSNP rs542543248, ClinGen allele CA8618325.